The following is an entry in ClinVar:

NC_000009.11:g.(?_117037921)_(117072975_?)dup

Gene: COL27A1 (collagen type XXVII alpha 1 chain; plus strand). Cytogenetic location: 9q32.
Variant type: Duplication.
Identifiers: ClinVar variation 2427079 (VCV002427079.2).

ClinVar aggregate classification (germline): Uncertain significance (1 of 4 stars; one submission).

Submission:

Labcorp Genetics (formerly Invitae), Labcorp
Classification: Uncertain significance. Last evaluated: 2022-07-19. Review status: criteria provided, single submitter. Criteria: Invitae Variant Classification Sherloc (09022015). Collection method: clinical testing. Allele origin: germline.
Comment: This variant results in a copy number gain of the genomic region encompassing exon(s) 37-61 of the COL27A1 gene. This region includes the termination codon of the gene. This copy number gain extends beyond the assayed region for this gene and therefore may encompass additional genes. As the precise location of this event is unknown, it may be in tandem or it may be located elsewhere in the genome. This variant has not been reported in the literature in individuals affected with COL27A1-related conditions. In summary, the available evidence is currently insufficient to determine the role of this variant in disease. Therefore, it has been classified as a Variant of Uncertain Significance.